The following is an entry in ClinVar:

NM_001267550.2(TTN):c.9172A>G (p.Ile3058Val)

Gene: TTN (titin; minus strand). Cytogenetic location: 2q31.2.
Variant type: single nucleotide variant.
Coding change: c.9172A>G on transcript NM_001267550.2 (MANE Select); coding-DNA position 9172, A replaced by G.
Protein change: p.Ile3058Val; replaces isoleucine 3058 with valine.
Molecular consequence: missense variant.
Genome position (GRCh38, 1-based): chr2:178,768,147, T>C on the plus strand (A>G on the coding strand, the complement: TTN is on the minus strand). VCF-style: chr2-178768147-T-C. GRCh37 (hg19) VCF-style: chr2-179632874-T-C.
Other names: c.9172A>G, p.Ile3058Val (NM_001256850.1, NM_133378.4, NM_133379.5); c.9034A>G, p.Ile3012Val (NM_003319.4, NM_133432.3, NM_133437.4); short protein forms I3058V, I3012V.
Identifiers: ClinVar variation 1765545 (VCV001765545.2), dbSNP rs759240786, ClinGen allele CA2004417.

ClinVar aggregate classification (germline): Uncertain significance (1 of 4 stars; one submission).

Conditions:
Cardiovascular phenotype. Identifiers: MedGen CN230736.

Allele frequency attached by ClinVar (database versions not stated): ExAC 0.00001.
gnomAD v4.1: 5 of 1,614,074 alleles (0.00031%); highest among the groups gnomAD compares: Non-Finnish European, 0.000085%; no homozygotes.

Submission:

Ambry Genetics
Classification: Uncertain significance for Cardiovascular phenotype. Last evaluated: 2020-04-17. Review status: criteria provided, single submitter. Criteria: Ambry Variant Classification Scheme 2023. Collection method: clinical testing. Allele origin: germline.
Comment: The p.I3012V variant (also known as c.9034A>G), located in coding exon 37 of the TTN gene, results from an A to G substitution at nucleotide position 9034. The isoleucine at codon 3012 is replaced by valine, an amino acid with highly similar properties. This amino acid position is highly conserved in available vertebrate species. In addition, this alteration is predicted to be tolerated by in silico analysis. Since supporting evidence is limited at this time, the clinical significance of this alteration remains unclear.